The following is an entry in ClinVar:

ClinVar aggregate classification (germline): Uncertain significance. Review status: criteria provided, multiple submitters, no conflicts (2 of 4 stars). 7 submissions from 7 submitters: Uncertain significance (7). Last evaluated 2026-02-01.

Conditions:
Hereditary neutrophilia. Identifiers: Orphanet 279943, MedGen C0543669, MONDO:0008092, OMIM 162830.
Autosomal recessive severe congenital neutropenia due to CSF3R deficiency. Also called: Neutropenia, severe congenital, 7, autosomal recessive. Identifiers: Orphanet 420702, MedGen C4310764, MONDO:0014865, OMIM 617014.

Allele frequency attached by ClinVar (database versions not stated): 1000 Genomes Project 30x 0.00016; 1000 Genomes Project 0.00020; ExAC 0.00059; TOPMed 0.00059; ESP Exome Variant Server 0.00062; gnomAD exomes 0.00063 and 0.00101; gnomAD 0.00083 and 0.00089.

Submissions (7):

Labcorp Genetics (formerly Invitae), Labcorp
Classification: Uncertain significance for Autosomal recessive severe congenital neutropenia due to CSF3R deficiency. Last evaluated: 2026-02-01. Review status: criteria provided, single submitter. Criteria: Invitae Variant Classification Sherloc (09022015). Collection method: clinical testing. Allele origin: germline.
Comment: This sequence change replaces alanine, which is neutral and non-polar, with threonine, which is neutral and polar, at codon 119 of the CSF3R protein (p.Ala119Thr). This variant is present in population databases (rs142999683, gnomAD 0.1%), and has an allele count higher than expected for a pathogenic variant. This missense change has been observed in individual(s) with hematological malignancies (PMID: 33108454). ClinVar contains an entry for this variant (Variation ID: 566149). Invitae Evidence Modeling of protein sequence and biophysical properties (such as structural, functional, and spatial information, amino acid conservation, physicochemical variation, residue mobility, and thermodynamic stability) indicates that this missense variant is expected to disrupt CSF3R protein function with a positive predictive value of 80%. Experimental studies have shown that this missense change affects CSF3R function (PMID: 33108454). In summary, the available evidence is currently insufficient to determine the role of this variant in disease. Therefore, it has been classified as a Variant of Uncertain Significance.

CeGaT Center for Human Genetics Tuebingen
Classification: Uncertain significance. Last evaluated: 2025-01-01. Review status: criteria provided, single submitter. Criteria: CeGaT Center For Human Genetics Tuebingen Variant Classification Criteria Version 2. Collection method: clinical testing. Allele origin: germline. Affected: yes. Observed: 2 variant alleles.

Blueprint Genetics
Classification: Uncertain significance. Last evaluated: 2024-11-20. Review status: criteria provided, single submitter. Criteria: ACMG Guidelines, 2015. Collection method: clinical testing. Allele origin: germline.

Fulgent Genetics
Classification: Uncertain significance for Hereditary neutrophilia; Autosomal recessive severe congenital neutropenia due to CSF3R deficiency. Last evaluated: 2022-04-07. Review status: criteria provided, single submitter. Criteria: ACMG Guidelines, 2015. Collection method: clinical testing. Allele origin: unknown.

Genetic Services Laboratory, University of Chicago
Classification: Uncertain significance. Last evaluated: 2021-09-20. Review status: criteria provided, single submitter. Criteria: ACMG Guidelines, 2015. Collection method: clinical testing. Allele origin: germline. Affected: no.
Comment: DNA sequence analysis of the CSF3R gene demonstrated a sequence change, c.355G>A, in exon 4 that results in an amino acid change, p.Ala119Thr. This sequence change has been described in the gnomAD database with a frequency of 0.12% in the Finnish European subpopulation (dbSNP rs142999683). This sequence change has also been previously described in one individual with multiple myeloma and one individual with acute lymphoblastic leukemia (PMID: 33108454). In addition, this sequence change has been observed in several samples tested in our laboratory with other indications besides cancer. The p.Ala119Thr change affects a highly conserved amino acid residue located in the Ig-like domain of the CSF3R protein. Functional studies show p.Ala119Thr disrupts G-CSF-induced CSF3R activation (PMID: 33108454). In-silico pathogenicity prediction tools (SIFT, PolyPhen2, Align GVGD, REVEL) provide contradictory results for the p.Ala119Thr substitution. Due to the above information we are currently interpreting the p.Ala119Thr variant as a variant of unknown significance.

Mayo Clinic Laboratories, Mayo Clinic
Classification: Uncertain significance. Last evaluated: 2021-07-26. Review status: criteria provided, single submitter. Criteria: ACMG Guidelines, 2015. Collection method: clinical testing. Allele origin: germline.

Breakthrough Genomics
Classification: Uncertain significance. Review status: criteria provided, single submitter. Criteria: ACMG Guidelines, 2015. Collection method: not provided. Allele origin: germline. Inheritance: Autosomal recessive inheritance. Affected: yes.

Literature cited by the submitters: PubMed 33108454 (cited by Labcorp Genetics (formerly Invitae), Labcorp).

NM_000760.4(CSF3R):c.355G>A (p.Ala119Thr)

Gene: CSF3R (colony stimulating factor 3 receptor; minus strand). Cytogenetic location: 1p34.3.
Variant type: single nucleotide variant.
Coding change: c.355G>A on transcript NM_000760.4 (MANE Select); coding-DNA position 355, G replaced by A.
Protein change: p.Ala119Thr; replaces alanine 119 with threonine.
Molecular consequence: missense variant.
Genome position (GRCh38, 1-based): chr1:36,475,383, C>T on the plus strand (G>A on the coding strand, the complement: CSF3R is on the minus strand). VCF-style: chr1-36475383-C-T. GRCh37 (hg19) VCF-style: chr1-36940984-C-T.
Other names: p.Ala119Thr; c.355G>A, p.Ala119Thr (NM_156039.3, NM_172313.3, LRG_144t1); short protein forms A119T.
Identifiers: ClinVar variation 566149 (VCV000566149.36), dbSNP rs142999683, ClinGen allele CA769508.